The following is an entry in ClinVar:

NM_001372044.2(SHANK3):c.3938C>T (p.Ala1313Val)

Gene: SHANK3 (SH3 and multiple ankyrin repeat domains 3; plus strand). Cytogenetic location: 22q13.33.
Variant type: single nucleotide variant.
Coding change: c.3938C>T on transcript NM_001372044.2 (MANE Select); coding-DNA position 3938, C replaced by T.
Protein change: p.Ala1313Val; replaces alanine 1313 with valine.
Molecular consequence: missense variant.
Genome position (GRCh38, 1-based): chr22:50,721,546, C>T. VCF-style: chr22-50721546-C-T. GRCh37 (hg19) VCF-style: chr22-51159974-C-T.
Other names: c.3713C>T, p.Ala1238Val (NM_033517.1); short protein forms A1238V, A1313V.
Identifiers: ClinVar variation 589720 (VCV000589720.38), dbSNP rs188531567, ClinGen allele CA10326115.
Genomic context (GRCh38, chr22:50,721,546, plus strand): 5'-GGCAGGAGCCCAGCAGGCTGGGGGGGGCCGAAGAGGAGCGCCCGGGCACCCCGGAGTTGG[C>T]CCCGGCCCCCATGCAGTCAGCGGCTGTGGCAGAGCCCCTGCCCAGCCCCCGGGCCCAGCC-3'
Protein context (NP_001358973.1, residues 1303-1323): EEERPGTPEL[Ala1313Val]PAPMQSAAVA

ClinVar aggregate classification (germline): Conflicting classifications of pathogenicity. Review status: criteria provided, conflicting classifications (1 of 4 stars). 2 submissions from 2 submitters: Uncertain significance (1); Likely benign (1). Last evaluated 2025-03-01.

Conditions:
Inborn genetic diseases. Identifiers: MedGen C0950123, MeSH D030342.

Allele frequency attached by ClinVar (database versions not stated): ExAC 0.00006; gnomAD 0.00010; TOPMed 0.00019; 1000 Genomes Project 0.00020; 1000 Genomes Project 30x 0.00047.

Submissions (2):

CeGaT Center for Human Genetics Tuebingen
Classification: Likely benign. Last evaluated: 2025-03-01. Review status: criteria provided, single submitter. Criteria: CeGaT Center For Human Genetics Tuebingen Variant Classification Criteria Version 2. Collection method: clinical testing. Allele origin: germline. Affected: yes. Observed: 2 variant alleles.
Comment: SHANK3: BP4

Ambry Genetics
Classification: Uncertain significance for Inborn genetic diseases. Last evaluated: 2019-07-30. Review status: criteria provided, single submitter. Criteria: Ambry Variant Classification Scheme 2023. Collection method: clinical testing. Allele origin: germline.
Comment: The p.A1238V variant (also known as c.3713C>T), located in coding exon 21 of the SHANK3 gene, results from a C to T substitution at nucleotide position 3713. The alanine at codon 1238 is replaced by valine, an amino acid with similar properties. This amino acid position is well conserved in available vertebrate species. Since supporting evidence is limited at this time, the clinical significance of this alteration remains unclear.